The following continues an entry in ClinVar:

NM_000179.3(MSH6):c.3439-2A>G

Gene: MSH6. ClinVar aggregate classification (germline): Likely pathogenic. Likely pathogenic (1).

Submissions 9 to 19 of 19:

Color Diagnostics, LLC DBA Color Health
Classification: Pathogenic for Hereditary cancer-predisposing syndrome. Last evaluated: 2024-01-31. Review status: criteria provided, single submitter. Criteria: ACMG Guidelines, 2015. Collection method: clinical testing. Allele origin: germline. Not counted in ClinVar's aggregate classification.
Comment: This variant causes an A to G nucleotide substitution at the -2 position of intron 5 of the MSH6 gene. An RNA functional study using RNA derived from a carrier individual has reported that this variant causes out-of-frame skipping of exon 6 (PMID: 22949379). The variant has been reported to have a splicing impact by external laboratories (ClinVar: SCV000253678.11, SCV000185356.9). This variant is expected to result in an absent or non-functional protein product. This variant has been observed in individuals affected with or suspected of having Lynch syndrome (PMID: 10537275, 25980754), colorectal cancer (PMID: 20028993), endometrial cancer (PMID: 29345684, 30612635), ovarian cancer (PMID: 30128536), and breast cancer (PMID: 30128536). This variant has not been identified in the general population by the Genome Aggregation Database (gnomAD). Loss of MSH6 function is a known mechanism of disease. Based on the available evidence, this variant is classified as Pathogenic.

GeneDx
Classification: Pathogenic. Last evaluated: 2023-05-19. Review status: criteria provided, single submitter. Criteria: GeneDx Variant Classification Process June 2021. Collection method: clinical testing. Allele origin: germline. Affected: yes. Not counted in ClinVar's aggregate classification.
Comment: Canonical splice site variant predicted to result in a null allele in a gene for which loss of function is a known mechanism of disease; Not observed at significant frequency in large population cohorts (gnomAD); Truncating variants in this gene are considered pathogenic by a well-established clinical consortium and/or database; This variant is associated with the following publications: (PMID: 10537275, 31447099, 20028993, 25980754, 28152038, 28514183, 18269114, 26866578, 22949387, 25561518, 30612635, 32719484, 34308104, 28888541)

Myriad Genetics, Inc.
Classification: Pathogenic for Lynch syndrome 5. Last evaluated: 2023-03-29. Review status: criteria provided, single submitter. Criteria: Myriad Autosomal Dominant, Autosomal Recessive and X-Linked Classification Criteria (2023). Collection method: clinical testing. Allele origin: unknown. Not counted in ClinVar's aggregate classification.
Comment: This variant is considered pathogenic. This variant occurs within a consensus splice junction and is predicted to result in abnormal mRNA splicing of either an out-of-frame exon or an in-frame exon necessary for protein stability and/or normal function. This variant is strongly associated with more severe personal and family histories of cancer, typical for individuals with pathogenic variants in this gene [PMID: 25085752].

Quest Diagnostics Nichols Institute San Juan Capistrano
Classification: Pathogenic. Last evaluated: 2023-01-20. Review status: criteria provided, single submitter. Criteria: Quest Diagnostics criteria. Collection method: clinical testing. Allele origin: unknown. Not counted in ClinVar's aggregate classification.
Comment: This variant disrupts a canonical splice-acceptor site and interferes with normal MSH6 mRNA splicing. It has not been reported in large, multi-ethnic general populations. In the published literature, the variant has been reported in individuals with Lynch syndrome or colorectal cancer (PMIDs: 25980754 (2015), 10537275 (1999)), endometrial cancer (PMIDs: 30612635 (2019), 29345684 (2018)), breast/ovarian cancer (PMID: 30128536 (2018)), and acute lymphoblastic leukemia (PMID: 34308104 (2021)). The variant also showed deleterious effects on protein function in a yeast-based complementation assay (PMID: 10537275 (1999)). Based on the available information, this variant is classified as pathogenic.

Revvity Omics, Revvity
Classification: Pathogenic. Last evaluated: 2022-11-10. Review status: criteria provided, single submitter. Criteria: ACMG Guidelines, 2015. Collection method: clinical testing. Allele origin: germline. Not counted in ClinVar's aggregate classification.

Laboratory for Molecular Medicine, Mass General Brigham Personalized Medicine
Classification: Pathogenic for Lynch syndrome. Last evaluated: 2021-10-27. Review status: criteria provided, single submitter. Criteria: ACMG Guidelines, 2015. Collection method: clinical testing. Allele origin: germline. Inheritance: Autosomal dominant inheritance. Not counted in ClinVar's aggregate classification.
Comment: The c.3439-2A>G variant in MSH6 has been reported in 4 individuals with MSH6-associated cancers (Kolodner 1999 PMID: 10537275, Baglietto 2010 PMID: 20028993, , Long 2019 PMID: 30612635) and in 1 individual undergoing clinical genetic testing for Lynch Syndrome (Yurgelun 2015 PMID: 25980754) . It was absent from large population studies. This variant occurs within the canonical splice site (+/- 1,2) and is predicted to cause altered splicing leading to an abnormal or absent protein. This was corroborated by a functional study using patient RNA that shows that this variant causes out-of-frame skipping of exon 6 (Thompson 2013 PMID: 22949379). Loss of function of the MSH6 gene is an established disease mechanism in autosomal dominant Lynch syndrome. In addition, this variant was classified as Likely Pathogenic on June 21, 2019 by the ClinGen-approved InSiGHT expert panel (ClinVar SCV000108071.2). In summary, this variant meets criteria to be classified as pathogenic for autosomal dominant Lynch syndrome. ACMG/AMP Criteria applied: PVS1, PS3_Supporting, PM2_Supporting, PS4_Supporting.

Women's Health and Genetics/Laboratory Corporation of America, LabCorp
Classification: Pathogenic for Hereditary nonpolyposis colon cancer. Last evaluated: 2021-05-19. Review status: criteria provided, single submitter. Criteria: LabCorp Variant Classification Summary - May 2015. Collection method: clinical testing. Allele origin: germline. Not counted in ClinVar's aggregate classification.
Comment: Variant summary: MSH6 c.3439-2A>G is located in a canonical splice-site and is predicted to affect mRNA splicing resulting in a significantly altered protein due to either exon skipping, shortening, or inclusion of intronic material. Several computational tools predict a significant impact on normal splicing: Four predict the variant abolishes a 3 prime acceptor site. At least one publication reports experimental evidence that this variant affects mRNA splicing (Kolodner_1999). The variant was absent in 251432 control chromosomes (gnomAD). c.3439-2A>G has been reported in the literature in individuals affected with Lynch Syndrome (e.g. Kolodner_1999, Baglietto_2010, Yurgelun_2015). These data indicate that the variant is likely to be associated with disease. Eleven clinical diagnostic laboratories have submitted clinical-significance assessments for this variant to ClinVar after 2014 without evidence for independent evaluation. All laboratories classified the variant as pathogenic/likely pathogenic. Based on the evidence outlined above, the variant was classified as pathogenic.

Sema4
Classification: Pathogenic for Hereditary cancer-predisposing syndrome. Last evaluated: 2020-11-16. Review status: criteria provided, single submitter. Criteria: Sema4 Curation Guidelines. Collection method: curation. Allele origin: germline. Not counted in ClinVar's aggregate classification.
Comment: The MSH6 c.3439-2A>G splice site variant has been reported in heterozygosity in at least 8 individuals with colorectal and endometrial cancer (PMID: 10537275, 30612635, 31447099, 25980754, 20028993). Functional studies have shown that this variant cannot complement MSH6 loss of function mutant in yeast (PMID: 10537275). This variant is not reported in the population database Genome Aggregation Database (PMID: 27535533). Based on the current evidence available, this variant is interpreted as likely pathogenic.

CHEO Genetics Diagnostic Laboratory, Children's Hospital of Eastern Ontario
Classification: Pathogenic for Breast and/or ovarian cancer. Last evaluated: 2019-08-28. Review status: criteria provided, single submitter. Criteria: ACMG Guidelines, 2015. Collection method: clinical testing. Allele origin: germline. Not counted in ClinVar's aggregate classification.

Counsyl
Classification: Likely pathogenic for Lynch syndrome 5. Last evaluated: 2017-01-04. Review status: no assertion criteria provided. Collection method: clinical testing. Allele origin: unknown. Not counted in ClinVar's aggregate classification.

Department of Pathology and Laboratory Medicine, Sinai Health System
Classification: Pathogenic for Carcinoma of colon. Review status: no assertion criteria provided. Collection method: clinical testing. Allele origin: unknown. Affected: yes. Study: The Canadian Open Genetics Repository (COGR). Not counted in ClinVar's aggregate classification.
Comment: The MSH6 c.3439-2A>G variant was identified in 3 of 3026 proband chromosomes (frequency: 0.001) from individuals or families with Lynch Syndrome (Kolodner 1999, Biaglietto 2009, Yurgelun 2015). The variant was identified in dbSNP (rs267608098) as â€šÃ„Ãºwith likely pathogenic, pathogenic alleleâ€šÃ„Ã¹ and ClinVar (interpreted as "pathogenic" by Invitae and 8 others and "likely pathogenic" by 3 laboratories). The variant was not identified in UMD-LSDB. The variant was not identified in the Exome Aggregation Consortium (August 8th 2016), or the Genome Aggregation Database (Feb 27, 2017). The c.3439-2A>G variant is predicted to cause abnormal splicing because the nucleotide substitution occurs in the invariant region of the splice consensus sequence. In addition, 4 out of 4 in silico or computational prediction software programs (SpliceSiteFinder, MaxEntScan, NNSPLICE, GeneSplicer) predicted a greater than 10% difference in splicing. In summary, based on the above information this variant meets our laboratoryâ€šÃ„Ã´s criteria to be classified as pathogenic.

Literature cited by the submitters: PubMed 10537275 (cited by 10 submitters); PubMed 20028993 (cited by 9 submitters); PubMed 25980754 (cited by 9 submitters); PubMed 30612635 (cited by 7 submitters); PubMed 28888541 (cited by Mayo Clinic Laboratories, Mayo Clinic); PubMed 29345684 (cited by 4 submitters); PubMed 30128536 (cited by 4 submitters); PubMed 22949379 (cited by 5 submitters); PubMed 25085752 (cited by Myriad Genetics, Inc.); PubMed 34308104 (cited by Quest Diagnostics Nichols Institute San Juan Capistrano); PubMed 11900875 (cited by Women's Health and Genetics/Laboratory Corporation of America, LabCorp); PubMed 25561518 (cited by Women's Health and Genetics/Laboratory Corporation of America, LabCorp); PubMed 31447099 (cited by Sema4).